The following is an entry in ClinVar:

NM_001110556.2(FLNA):c.6022+4dup

Gene: FLNA (filamin A; minus strand). Cytogenetic location: Xq28.
Variant type: Duplication.
Coding change: c.6022+4dup on transcript NM_001110556.2 (MANE Select); 4 bases into the intron after coding-DNA position 6022, one base duplicated (A; older notation c.6022+4dupA).
Molecular consequence: intron variant.
Genome position (GRCh38, 1-based): chrX:154,353,292, T duplicated on the plus strand (A on the coding strand, the reverse complement: FLNA is on the minus strand); the first of 2 consecutive T bases (chrX:154,353,292-154,353,293); duplicating either gives the same sequence. VCF-style (leftmost placement, unchanged base first): chrX-154353291-C-CT. GRCh37 (hg19) VCF-style: chrX-153581659-C-CT.
Other names: c.5998+4dup (NM_001456.4).
Identifiers: ClinVar variation 4813241 (VCV004813241.1).

ClinVar aggregate classification (germline): Uncertain significance (1 of 4 stars; one submission).

Submission:

GeneDx
Classification: Uncertain significance. Last evaluated: 2025-09-09. Review status: criteria provided, single submitter. Criteria: GeneDx Variant Classification Process June 2021. Collection method: clinical testing. Allele origin: germline. Affected: yes.
Comment: Not observed at significant frequency in large population cohorts (gnomAD); In silico analysis is inconclusive as to whether the variant alters gene splicing. In the absence of RNA/functional studies, the actual effect of this sequence change is unknown.; Has not been previously published as pathogenic or benign to our knowledge